The following is an entry in ClinVar:

NM_005458.8(GABBR2):c.2804G>A (p.Arg935Gln)

Gene: GABBR2 (gamma-aminobutyric acid type B receptor subunit 2; minus strand). Cytogenetic location: 9q22.33.
Variant type: single nucleotide variant.
Coding change: c.2804G>A on transcript NM_005458.8 (MANE Select); coding-DNA position 2804, G replaced by A.
Protein change: p.Arg935Gln; replaces arginine 935 with glutamine.
Molecular consequence: missense variant.
Genome position (GRCh38, 1-based): chr9:98,290,606, C>T on the plus strand (G>A on the coding strand, the complement: GABBR2 is on the minus strand). VCF-style: chr9-98290606-C-T. GRCh37 (hg19) VCF-style: chr9-101052888-C-T.
Other names: short protein forms R935Q.
Identifiers: ClinVar variation 2431987 (VCV002431987.6), dbSNP rs760225121, ClinGen allele CA5152361.

ClinVar aggregate classification (germline): Uncertain significance. Review status: criteria provided, multiple submitters, no conflicts (2 of 4 stars). 2 submissions from 2 submitters: Uncertain significance (2). Last evaluated 2025-10-02.

Conditions:
Epileptic encephalopathy. Identifiers: MedGen C0543888, HP:0200134.

Allele frequency attached by ClinVar (database versions not stated): gnomAD 0.00001; TOPMed 0.00001; ExAC 0.00004.
gnomAD v4.1: 7 of 1,414,350 alleles (0.00049%); highest among the groups gnomAD compares: Non-Finnish European, 0.00037%; no homozygotes.

Submissions (2):

Labcorp Genetics (formerly Invitae), Labcorp
Classification: Uncertain significance for Epileptic encephalopathy. Last evaluated: 2025-10-02. Review status: criteria provided, single submitter. Criteria: Invitae Variant Classification Sherloc (09022015). Collection method: clinical testing. Allele origin: germline.
Comment: This sequence change replaces arginine, which is basic and polar, with glutamine, which is neutral and polar, at codon 935 of the GABBR2 protein (p.Arg935Gln). The frequency data for this variant in the population databases is considered unreliable, as metrics indicate poor data quality at this position in the gnomAD database. This variant has not been reported in the literature in individuals affected with GABBR2-related conditions. ClinVar contains an entry for this variant (Variation ID: 2431987). An algorithm developed to predict the effect of missense changes on protein structure and function (PolyPhen-2) suggests that this variant is likely to be tolerated. In summary, the available evidence is currently insufficient to determine the role of this variant in disease. Therefore, it has been classified as a Variant of Uncertain Significance.

Revvity Omics, Revvity
Classification: Uncertain significance. Last evaluated: 2020-09-03. Review status: criteria provided, single submitter. Criteria: ACMG Guidelines, 2015. Collection method: clinical testing. Allele origin: germline.